The following is an entry in ClinVar:

NM_014476.6(PDLIM3):c.890G>A (p.Cys297Tyr)

Gene: PDLIM3 (PDZ and LIM domain 3; minus strand). Cytogenetic location: 4q35.1.
Variant type: single nucleotide variant.
Coding change: c.890G>A on transcript NM_014476.6 (MANE Select); coding-DNA position 890, G replaced by A.
Protein change: p.Cys297Tyr; replaces cysteine 297 with tyrosine.
Molecular consequence: missense variant. On other transcripts: non-coding transcript variant (1).
Genome position (GRCh38, 1-based): chr4:185,504,490, C>T on the plus strand (G>A on the coding strand, the complement: PDLIM3 is on the minus strand). VCF-style: chr4-185504490-C-T. GRCh37 (hg19) VCF-style: chr4-186425644-C-T.
Other names: c.746G>A, p.Cys249Tyr (NM_001114107.5); c.626G>A, p.Cys209Tyr (NM_001257962.2); c.389G>A, p.Cys130Tyr (NM_001257963.2); short protein forms C130Y, C249Y, C209Y, C297Y.
Identifiers: ClinVar variation 659322 (VCV000659322.9), dbSNP rs768354891, ClinGen allele CA3159656.

ClinVar aggregate classification (germline): Uncertain significance (1 of 4 stars; one submission).

Conditions:
Hypertrophic cardiomyopathy. Also called: HYPERTROPHIC MYOCARDIOPATHY. Identifiers: Orphanet 217569, MedGen C0007194, MeSH D002312, MONDO:0005045, HP:0001639.
Primary dilated cardiomyopathy (DCM). Also called: Dilated Cardiomyopathy. Identifiers: Orphanet 217604, MedGen C0007193, MeSH D002311, MONDO:0005021, HP:0001644. Inheritance: Various modes of inheritance.

gnomAD v4.1: 2 of 1,613,462 alleles (0.00012%); highest among the groups gnomAD compares: Non-Finnish European, 0.00017%; no homozygotes.

Submission:

Labcorp Genetics (formerly Invitae), Labcorp
Classification: Uncertain significance for Hypertrophic cardiomyopathy; Primary dilated cardiomyopathy. Last evaluated: 2018-08-04. Review status: criteria provided, single submitter. Criteria: Invitae Variant Classification Sherloc (09022015). Collection method: clinical testing. Allele origin: germline.
Comment: In summary, the available evidence is currently insufficient to determine the role of this variant in disease. Therefore, it has been classified as a Variant of Uncertain Significance. Algorithms developed to predict the effect of missense changes on protein structure and function (SIFT, PolyPhen-2, Align-GVGD) all suggest that this variant is likely to be disruptive, but these predictions have not been confirmed by published functional studies and their clinical significance is uncertain. This sequence change replaces cysteine with tyrosine at codon 297 of the PDLIM3 protein (p.Cys297Tyr). The cysteine residue is highly conserved and there is a large physicochemical difference between cysteine and tyrosine. This variant is present in population databases (rs768354891, ExAC 0.002%). This variant has not been reported in the literature in individuals with PDLIM3-related disease.